The following is an entry in ClinVar:

NM_001371986.1(UNC80):c.7754G>A (p.Gly2585Glu)

Gene: UNC80 (unc-80 subunit of NALCN channel complex; plus strand). Cytogenetic location: 2q34.
Variant type: single nucleotide variant.
Coding change: c.7754G>A on transcript NM_001371986.1 (MANE Select); coding-DNA position 7754, G replaced by A.
Protein change: p.Gly2585Glu; replaces glycine 2585 with glutamic acid.
Molecular consequence: missense variant.
Genome position (GRCh38, 1-based): chr2:209,959,656, G>A. VCF-style: chr2-209959656-G-A. GRCh37 (hg19) VCF-style: chr2-210824380-G-A.
Other names: c.7556G>A, p.Gly2519Glu (NM_032504.2); c.7541G>A, p.Gly2514Glu (NM_182587.4); short protein forms G2585E, G2514E, G2519E.
Identifiers: ClinVar variation 2096558 (VCV002096558.4), dbSNP rs2471205405, ClinGen allele CA350776972.

ClinVar aggregate classification (germline): Uncertain significance (1 of 4 stars; one submission).

Submission:

Labcorp Genetics (formerly Invitae), Labcorp
Classification: Uncertain significance. Last evaluated: 2022-02-11. Review status: criteria provided, single submitter. Criteria: Invitae Variant Classification Sherloc (09022015). Collection method: clinical testing. Allele origin: germline.
Comment: In summary, the available evidence is currently insufficient to determine the role of this variant in disease. Therefore, it has been classified as a Variant of Uncertain Significance. Algorithms developed to predict the effect of missense changes on protein structure and function are either unavailable or do not agree on the potential impact of this missense change (SIFT: "Not Available"; PolyPhen-2: "Probably Damaging"; Align-GVGD: "Not Available"). This variant has not been reported in the literature in individuals affected with UNC80-related conditions. This variant is not present in population databases (gnomAD no frequency). This sequence change replaces glycine, which is neutral and non-polar, with glutamic acid, which is acidic and polar, at codon 2519 of the UNC80 protein (p.Gly2519Glu).